The following is an entry in ClinVar:

NM_001211.6(BUB1B):c.2090C>T (p.Ser697Phe)

Gene: BUB1B (BUB1 mitotic checkpoint serine/threonine kinase B; plus strand). Cytogenetic location: 15q15.1.
Variant type: single nucleotide variant.
Coding change: c.2090C>T on transcript NM_001211.6 (MANE Select); coding-DNA position 2090, C replaced by T.
Protein change: p.Ser697Phe; replaces serine 697 with phenylalanine.
Molecular consequence: missense variant.
Genome position (GRCh38, 1-based): chr15:40,208,717, C>T. VCF-style: chr15-40208717-C-T. GRCh37 (hg19) VCF-style: chr15-40500918-C-T.
Other names: short protein forms S697F.
Identifiers: ClinVar variation 1785732 (VCV001785732.2), dbSNP rs2037669159, ClinGen allele CA391693682.

ClinVar aggregate classification (germline): Uncertain significance (1 of 4 stars; one submission).

Conditions:
Inborn genetic diseases. Identifiers: MedGen C0950123, MeSH D030342.

Submission:

Ambry Genetics
Classification: Uncertain significance for Inborn genetic diseases. Last evaluated: 2024-03-15. Review status: criteria provided, single submitter. Criteria: Ambry Variant Classification Scheme 2023. Collection method: clinical testing. Allele origin: germline.
Comment: The p.S697F variant (also known as c.2090C>T), located in coding exon 16 of the BUB1B gene, results from a C to T substitution at nucleotide position 2090. The serine at codon 697 is replaced by phenylalanine, an amino acid with highly dissimilar properties. This amino acid position is conserved. In addition, this alteration is predicted to be tolerated by in silico analysis. Since supporting evidence is limited at this time, the clinical significance of this alteration remains unclear.